The following is an entry in ClinVar:

NM_001358235.2(DCHS2):c.4019-785CAAA[5]

Gene: DCHS2 (dachsous cadherin-related 2; minus strand). Cytogenetic location: 4q31.3.
Variant type: Microsatellite.
Coding change: c.4019-785CAAA[5] on transcript NM_001358235.2 (MANE Select); five copies in a row of the 4-base unit CAAA starting at c.4019-785; the reference has six copies in a row; one copy, 4 bases deleted.
Molecular consequence: intron variant. On other transcripts: frameshift variant (1), inframe indel (1).
Genome position (GRCh38, 1-based): chr4:154,323,250-154,323,253, TTTG deleted on the plus strand (CAAA on the coding strand, the reverse complement: DCHS2 is on the minus strand); deleting any 4 consecutive bases within chr4:154,323,250-154,323,276 gives the same sequence; the position shown is the placement nearest the transcript's 3' end. VCF-style (leftmost placement, unchanged base first): chr4-154323249-TTTTG-T. GRCh37 (hg19) VCF-style: chr4-155244401-TTTTG-T.
Other names: c.4095_4098del, p.Asn1365fs (NM_001142552.2); c.4072_(4075_?)AAAC[5], p.Lys1365_Lys(1365_?)del (NM_001412223.1); short protein forms N1365fs.
Identifiers: ClinVar variation 3059819 (VCV003059819.2), dbSNP rs140019361, ClinGen allele CA3112980.

ClinVar aggregate classification (germline): Benign (0 of 4 stars; one submission).

Conditions:
DCHS2-related disorder. Also called: DCHS2-related condition.

Submission:

PreventionGenetics, part of Exact Sciences
Classification: Benign for DCHS2-related condition. Last evaluated: 2019-02-18. Review status: no assertion criteria provided. Collection method: clinical testing. Allele origin: germline.
Comment: This variant is classified as benign based on ACMG/AMP sequence variant interpretation guidelines (Richards et al. 2015 PMID: 25741868, with internal and published modifications).